The following is an entry in ClinVar:

NM_015202.5(KATNIP):c.3972C>T (p.Arg1324=)

Gene: KATNIP (katanin interacting protein; plus strand). Cytogenetic location: 16p12.1.
Variant type: single nucleotide variant.
Coding change: c.3972C>T on transcript NM_015202.5 (MANE Select); coding-DNA position 3972, C replaced by T.
Protein change: p.Arg1324=; no amino-acid change (arginine 1324 retained).
Molecular consequence: synonymous variant.
Genome position (GRCh38, 1-based): chr16:27,766,471, C>T. VCF-style: chr16-27766471-C-T. GRCh37 (hg19) VCF-style: chr16-27777792-C-T.
Identifiers: ClinVar variation 3904998 (VCV003904998.12).

ClinVar aggregate classification (germline): Likely benign. Review status: criteria provided, multiple submitters, no conflicts (2 of 4 stars). 3 submissions from 3 submitters: Likely benign (3). Last evaluated 2025-12-15.

gnomAD v4.1: 188 of 1,611,206 alleles (0.012%); highest among the groups gnomAD compares: Non-Finnish European, 0.013%; no homozygotes.

Submissions (3):

Labcorp Genetics (formerly Invitae), Labcorp
Classification: Likely benign. Last evaluated: 2025-12-15. Review status: criteria provided, single submitter. Criteria: Invitae Variant Classification Sherloc (09022015). Collection method: clinical testing. Allele origin: germline.

CeGaT Center for Human Genetics Tuebingen
Classification: Likely benign. Last evaluated: 2025-05-01. Review status: criteria provided, single submitter. Criteria: CeGaT Center For Human Genetics Tuebingen Variant Classification Criteria Version 2. Collection method: clinical testing. Allele origin: germline. Affected: yes. Observed: 1 variant allele.
Comment: KATNIP: BP4, BP7

Blueprint Genetics
Classification: Likely benign. Last evaluated: 2023-08-17. Review status: criteria provided, single submitter. Criteria: ACMG Guidelines, 2015. Collection method: clinical testing. Allele origin: germline.